The following is an entry in ClinVar:

NM_005188.4(CBL):c.2612A>T (p.Tyr871Phe)

Gene: CBL (Cbl proto-oncogene; plus strand). Cytogenetic location: 11q23.3.
Variant type: single nucleotide variant.
Coding change: c.2612A>T on transcript NM_005188.4 (MANE Select); coding-DNA position 2612, A replaced by T.
Protein change: p.Tyr871Phe; replaces tyrosine 871 with phenylalanine.
Molecular consequence: missense variant.
Genome position (GRCh38, 1-based): chr11:119,299,672, A>T. VCF-style: chr11-119299672-A-T. GRCh37 (hg19) VCF-style: chr11-119170382-A-T.
Other names: short protein forms Y871F.
Identifiers: ClinVar variation 1793811 (VCV001793811.2), dbSNP rs1237783221, ClinGen allele CA382933306.

ClinVar aggregate classification (germline): Uncertain significance (1 of 4 stars; one submission).

Conditions:
Cardiovascular phenotype. Identifiers: MedGen CN230736.

Submission:

Ambry Genetics
Classification: Uncertain significance for Cardiovascular phenotype. Last evaluated: 2022-04-03. Review status: criteria provided, single submitter. Criteria: Ambry Variant Classification Scheme 2023. Collection method: clinical testing. Allele origin: germline.
Comment: The p.Y871F variant (also known as c.2612A>T), located in coding exon 16 of the CBL gene, results from an A to T substitution at nucleotide position 2612. The tyrosine at codon 871 is replaced by phenylalanine, an amino acid with highly similar properties. This amino acid position is conserved. In addition, this alteration is predicted to be tolerated by in silico analysis. Since supporting evidence is limited at this time, the clinical significance of this alteration remains unclear.